The following is an entry in ClinVar:

NM_003072.5(SMARCA4):c.568C>G (p.Leu190Val)

Gene: SMARCA4 (SWI/SNF related BAF chromatin remodeling complex subunit ATPase 4; plus strand). Cytogenetic location: 19p13.2.
Variant type: single nucleotide variant.
Coding change: c.568C>G on transcript NM_003072.5 (MANE Select); coding-DNA position 568, C replaced by G.
Protein change: p.Leu190Val; replaces leucine 190 with valine.
Molecular consequence: missense variant. On other transcripts: non-coding transcript variant (1).
Genome position (GRCh38, 1-based): chr19:10,986,401, C>G. VCF-style: chr19-10986401-C-G. GRCh37 (hg19) VCF-style: chr19-11097077-C-G.
Other names: c.568C>G, p.Leu190Val (NM_001128844.3, NM_001128845.2, NM_001128846.2 and 4 more transcripts); short protein forms L190V.
Identifiers: ClinVar variation 825896 (VCV000825896.5), dbSNP rs1599950838, ClinGen allele CA404056417.

ClinVar aggregate classification (germline): Uncertain significance (1 of 4 stars; one submission).

Conditions:
Hereditary cancer-predisposing syndrome. Also called: Neoplastic Syndromes, Hereditary; Tumor predisposition; Hereditary neoplastic syndrome; Hereditary Cancer Syndrome. Identifiers: Orphanet 140162, MedGen C0027672, MeSH D009386, MONDO:0015356.

Submission:

Ambry Genetics
Classification: Uncertain significance for Hereditary cancer-predisposing syndrome. Last evaluated: 2025-07-08. Review status: criteria provided, single submitter. Criteria: Ambry Variant Classification Scheme 2023. Collection method: clinical testing. Allele origin: germline.
Comment: The p.L190V variant (also known as c.568C>G), located in coding exon 3 of the SMARCA4 gene, results from a C to G substitution at nucleotide position 568. The leucine at codon 190 is replaced by valine, an amino acid with highly similar properties. This amino acid position is highly conserved in available vertebrate species. In addition, the in silico prediction for this alteration is inconclusive. Based on the available evidence, the clinical significance of this variant remains unclear.